The following is an entry in ClinVar:

ClinVar aggregate classification (germline): Uncertain significance (1 of 4 stars; one submission).

gnomAD v4.1: 1 of 1,614,070 alleles (0.000062%); highest among the groups gnomAD compares: Non-Finnish European, 0.000085%; no homozygotes.

Submission:

Labcorp Genetics (formerly Invitae), Labcorp
Classification: Uncertain significance. Last evaluated: 2025-05-25. Review status: criteria provided, single submitter. Criteria: Invitae Variant Classification Sherloc (09022015). Collection method: clinical testing. Allele origin: germline.
Comment: This sequence change replaces histidine, which is basic and polar, with aspartic acid, which is acidic and polar, at codon 324 of the ALPK1 protein (p.His324Asp). This variant is not present in population databases (gnomAD no frequency). This variant has not been reported in the literature in individuals affected with ALPK1-related conditions. Invitae Evidence Modeling of protein sequence and biophysical properties (such as structural, functional, and spatial information, amino acid conservation, physicochemical variation, residue mobility, and thermodynamic stability) indicates that this missense variant is not expected to disrupt ALPK1 protein function with a negative predictive value of 80%. In summary, the available evidence is currently insufficient to determine the role of this variant in disease. Therefore, it has been classified as a Variant of Uncertain Significance.

NM_025144.4(ALPK1):c.970C>G (p.His324Asp)

Gene: ALPK1 (alpha kinase 1; plus strand). Cytogenetic location: 4q25.
Variant type: single nucleotide variant.
Coding change: c.970C>G on transcript NM_025144.4 (MANE Select); coding-DNA position 970, C replaced by G.
Protein change: p.His324Asp; replaces histidine 324 with aspartic acid.
Molecular consequence: missense variant.
Genome position (GRCh38, 1-based): chr4:112,430,517, C>G. VCF-style: chr4-112430517-C-G. GRCh37 (hg19) VCF-style: chr4-113351673-C-G.
Other names: c.970C>G, p.His324Asp (NM_001102406.2); c.736C>G, p.His246Asp (NM_001253884.2); short protein forms H246D, H324D.
Identifiers: ClinVar variation 4742184 (VCV004742184.1).